The following is an entry in ClinVar:

ClinVar aggregate classification (germline): Likely benign (1 of 4 stars; one submission).

gnomAD v4.1: 690 of 1,611,756 alleles (0.043%); highest among the groups gnomAD compares: Admixed American, 0.99%; 1 homozygote.

Submission:

CeGaT Center for Human Genetics Tuebingen
Classification: Likely benign. Last evaluated: 2026-09-01. Review status: criteria provided, single submitter. Criteria: CeGaT Center For Human Genetics Tuebingen Variant Classification Criteria Version 2. Collection method: clinical testing. Allele origin: germline. Affected: yes. Observed: 4 variant alleles.
Comment: USP25: BP4, BP7

NM_001283041.3(USP25):c.1998G>A (p.Glu666=)

Gene: USP25 (ubiquitin specific peptidase 25; plus strand). Cytogenetic location: 21q21.1.
Variant type: single nucleotide variant.
Coding change: c.1998G>A on transcript NM_001283041.3 (MANE Select); coding-DNA position 1998, G replaced by A.
Protein change: p.Glu666=; no amino-acid change (glutamic acid 666 retained).
Molecular consequence: synonymous variant.
Genome position (GRCh38, 1-based): chr21:15,833,352, G>A. VCF-style: chr21-15833352-G-A. GRCh37 (hg19) VCF-style: chr21-17205671-G-A.
Other names: c.1998G>A, p.Glu666= (NM_001283042.3, NM_013396.6); c.1335G>A, p.Glu445= (NM_001352560.2, NM_001388299.1); c.786G>A, p.Glu262= (NM_001352561.2, NM_001388300.1, NM_001388301.1 and 1 more transcripts).
Identifiers: ClinVar variation 4533703 (VCV004533703.6).